The following is an entry in ClinVar:

ClinVar aggregate classification (germline): Pathogenic (1 of 4 stars; one submission).

Conditions:
Kufor-Rakeb syndrome (KRS). Also called: PARKINSON DISEASE 9, AUTOSOMAL RECESSIVE, JUVENILE-ONSET. Identifiers: Orphanet 306674, Orphanet 314632, MedGen C1847640, MONDO:0011706, OMIM 606693.
Autosomal recessive spastic paraplegia type 78. Identifiers: Orphanet 513436, MedGen C5567893, MONDO:0014975, OMIM 617225.

Submission:

Labcorp Genetics (formerly Invitae), Labcorp
Classification: Pathogenic for Kufor-Rakeb syndrome; Autosomal recessive spastic paraplegia type 78. Last evaluated: 2024-10-15. Review status: criteria provided, single submitter. Criteria: Invitae Variant Classification Sherloc (09022015). Collection method: clinical testing. Allele origin: germline.
Comment: This sequence change creates a premature translational stop signal (p.His372Thrfs*24) in the ATP13A2 gene. It is expected to result in an absent or disrupted protein product. Loss-of-function variants in ATP13A2 are known to be pathogenic (PMID: 16964263, 21696388). This variant is present in population databases (no rsID available, gnomAD 0.0009%). This variant has not been reported in the literature in individuals affected with ATP13A2-related conditions. ClinVar contains an entry for this variant (Variation ID: 1385899). For these reasons, this variant has been classified as Pathogenic.

Literature cited by the submitters: PubMed 16964263; PubMed 21696388.

NM_022089.4(ATP13A2):c.1113del (p.His372fs)

Gene: ATP13A2 (ATPase cation transporting 13A2; minus strand). Cytogenetic location: 1p36.13.
Variant type: Deletion.
Coding change: c.1113del on transcript NM_022089.4 (MANE Select); coding-DNA position 1113, one base deleted (G; older notation c.1113delG).
Protein change: p.His372fs; shifts the reading frame from histidine 372.
Molecular consequence: frameshift variant.
Genome position (GRCh38, 1-based): chr1:16,997,102, C deleted on the plus strand (G on the coding strand, the reverse complement: ATP13A2 is on the minus strand); the first of 2 consecutive C bases (chr1:16,997,102-16,997,103); deleting either gives the same sequence. VCF-style (leftmost placement, unchanged base first): chr1-16997101-GC-G. GRCh37 (hg19) VCF-style: chr1-17323596-GC-G.
Other names: c.1098del, p.His367fs (NM_001141973.3, NM_001141974.3); short protein forms H372fs, H367fs.
Identifiers: ClinVar variation 1385899 (VCV001385899.6), dbSNP rs1377055875, ClinGen allele CA521449877.